The following is an entry in ClinVar:

ClinVar aggregate classification (germline): Uncertain significance (1 of 4 stars; one submission).

Allele frequency attached by ClinVar (database versions not stated): gnomAD exomes below 0.00001; gnomAD 0.00001; TOPMed 0.00002; ESP Exome Variant Server 0.00008.
gnomAD v4.1: 9 of 1,613,942 alleles (0.00056%); highest among the groups gnomAD compares: Non-Finnish European, 0.00068%; no homozygotes.

Submission:

GeneDx
Classification: Uncertain significance. Last evaluated: 2020-10-23. Review status: criteria provided, single submitter. Criteria: GeneDx Variant Classification Process June 2021. Collection method: clinical testing. Allele origin: germline. Affected: yes.
Comment: Has not been previously published as pathogenic or benign to our knowledge; In silico analysis, which includes splice predictors and evolutionary conservation, suggests this variant may impact gene splicing; in the absence of RNA/functional studies, the actual effect of this sequence change is unknown; Not observed in large population cohorts (Lek et al., 2016)

NM_001999.4(FBN2):c.5502A>G (p.Glu1834=)

Gene: FBN2 (fibrillin 2; minus strand). Cytogenetic location: 5q23.3.
Variant type: single nucleotide variant.
Coding change: c.5502A>G on transcript NM_001999.4 (MANE Select); coding-DNA position 5502, A replaced by G.
Protein change: p.Glu1834=; no amino-acid change (glutamic acid 1834 retained).
Molecular consequence: synonymous variant.
Genome position (GRCh38, 1-based): chr5:128,305,869, T>C on the plus strand (A>G on the coding strand, the complement: FBN2 is on the minus strand). VCF-style: chr5-128305869-T-C. GRCh37 (hg19) VCF-style: chr5-127641561-T-C.
Identifiers: ClinVar variation 1313604 (VCV001313604.2), dbSNP rs373545461, ClinGen allele CA126984144.
Genomic context (GRCh38, chr5:128,305,869, plus strand): 5'-TTTATTCAGATTACCTTCACAAACCAACAGCAGGTCATTGTAACTGAATCCTGTAGGGCA[T>C]TCACAGCGGAAACTGCCAATCTGGTTAATGCACACACCATTTGCACAAATGCCTGGAATC-3'
Protein context (NP_001990.2, residues 1824-1844): CINQIGSFRC[Glu1834=]CPTGFSYNDL